The following is an entry in ClinVar:

NM_001267550.2(TTN):c.57545-11_57545-9del

Genes: TTN (titin; minus strand), TTN-AS1 (TTN antisense RNA 1; plus strand). Cytogenetic location: 2q31.2.
Variant type: Microsatellite.
Coding change: c.57545-11_57545-9del on transcript NM_001267550.2 (MANE Select); 11 bases into the intron before coding-DNA position 57545 through 9 bases into the intron before coding-DNA position 57545, 3 bases deleted (CTT; older notation c.57545-11_57545-9delCTT).
Molecular consequence: intron variant.
Genome position (GRCh38, 1-based): chr2:178,595,818-178,595,820, AAG deleted on the plus strand (CTT on the coding strand, the reverse complement: TTN is on the minus strand); deleting any 3 consecutive bases within chr2:178,595,818-178,595,825 gives the same sequence; the c. name uses the placement nearest the transcript's 3' end. VCF-style (leftmost placement, unchanged base first): chr2-178595817-TAAG-T. GRCh37 (hg19) VCF-style: chr2-179460544-TAAG-T.
Other names: c.30926-11_30926-9del (NM_133437.4); c.30725-11_30725-9del (NM_133432.3); c.49841-11_49841-9del (NM_133378.4); c.52622-11_52622-9del (NM_001256850.1); c.30350-11_30350-9del (NM_003319.4); c.57545-11_57545-9delCTT (NM_001267550.2); c.52622-11_52622-9delCTT (NM_001256850.1).
Identifiers: ClinVar variation 512439 (VCV000512439.11), dbSNP rs767743244, ClinGen allele CA1993026.

ClinVar aggregate classification (germline): Likely benign. Review status: criteria provided, multiple submitters, no conflicts (2 of 4 stars). 2 submissions from 2 submitters: Likely benign (2). Last evaluated 2023-12-11.

Conditions:
Autosomal recessive limb-girdle muscular dystrophy type 2J (LGMDR10). Also called: MUSCULAR DYSTROPHY, LIMB-GIRDLE, AUTOSOMAL RECESSIVE 10; Limb-girdle muscular dystrophy, type 2J. Identifiers: Orphanet 140922, MedGen C1837342, MONDO:0012127, OMIM 608807.
Dilated cardiomyopathy 1G (CMD1G). Identifiers: Orphanet 154, MedGen C1858763, MONDO:0011400, OMIM 604145.

Submissions (2):

Labcorp Genetics (formerly Invitae), Labcorp
Classification: Likely benign for Dilated cardiomyopathy 1G; Autosomal recessive limb-girdle muscular dystrophy type 2J. Last evaluated: 2023-12-11. Review status: criteria provided, single submitter. Criteria: Invitae Variant Classification Sherloc (09022015). Collection method: clinical testing. Allele origin: germline.

GeneDx
Classification: Likely benign. Last evaluated: 2017-09-26. Review status: criteria provided, single submitter. Criteria: GeneDx Variant Classification (06012015). Collection method: clinical testing. Allele origin: germline. Affected: yes.
Comment: This variant is considered likely benign or benign based on one or more of the following criteria: it is a conservative change, it occurs at a poorly conserved position in the protein, it is predicted to be benign by multiple in silico algorithms, and/or has population frequency not consistent with disease.